The following is an entry in ClinVar:

NM_024301.5(FKRP):c.994G>A (p.Val332Met)

Gene: FKRP (fukutin related protein; plus strand). Cytogenetic location: 19q13.32.
Variant type: single nucleotide variant.
Coding change: c.994G>A on transcript NM_024301.5 (MANE Select); coding-DNA position 994, G replaced by A.
Protein change: p.Val332Met; replaces valine 332 with methionine.
Molecular consequence: missense variant.
Genome position (GRCh38, 1-based): chr19:46,756,444, G>A. VCF-style: chr19-46756444-G-A. GRCh37 (hg19) VCF-style: chr19-47259701-G-A.
Other names: c.994G>A, p.Val332Met (NM_001039885.3); c.994G>A (NM_024301.4); short protein forms V332M.
Identifiers: ClinVar variation 1422701 (VCV001422701.6), dbSNP rs768917965, ClinGen allele CA406496430.

ClinVar aggregate classification (germline): Uncertain significance. Review status: criteria provided, multiple submitters, no conflicts (2 of 4 stars). 2 submissions from 2 submitters: Uncertain significance (2). Last evaluated 2024-12-29.

Conditions:
Walker-Warburg congenital muscular dystrophy. Also called: Muscular dystrophy-dystroglycanopathy, type A; Walker-Warburg syndrome. Identifiers: Orphanet 899, MedGen C0265221, MONDO:0000171.
Cardiovascular phenotype. Identifiers: MedGen CN230736.

gnomAD v4.1: 4 of 1,585,414 alleles (0.00025%); highest among the groups gnomAD compares: South Asian, 0.0011%; no homozygotes.

Submissions (2):

Ambry Genetics
Classification: Uncertain significance for Cardiovascular phenotype. Last evaluated: 2024-12-29. Review status: criteria provided, single submitter. Criteria: Ambry Variant Classification Scheme 2023. Collection method: clinical testing. Allele origin: germline.
Comment: The p.V332M variant (also known as c.994G>A), located in coding exon 1 of the FKRP gene, results from a G to A substitution at nucleotide position 994. The valine at codon 332 is replaced by methionine, an amino acid with highly similar properties. This amino acid position is conserved. In addition, the in silico prediction for this alteration is inconclusive. Based on the available evidence, the clinical significance of this variant remains unclear.

Labcorp Genetics (formerly Invitae), Labcorp
Classification: Uncertain significance for Walker-Warburg congenital muscular dystrophy. Last evaluated: 2021-08-24. Review status: criteria provided, single submitter. Criteria: Invitae Variant Classification Sherloc (09022015). Collection method: clinical testing. Allele origin: germline.
Comment: This sequence change replaces valine with methionine at codon 332 of the FKRP protein (p.Val332Met). The valine residue is moderately conserved and there is a small physicochemical difference between valine and methionine. This variant is not present in population databases (ExAC no frequency). This variant has not been reported in the literature in individuals affected with FKRP-related conditions. Algorithms developed to predict the effect of missense changes on protein structure and function are either unavailable or do not agree on the potential impact of this missense change (SIFT: "Tolerated"; PolyPhen-2: "Possibly Damaging"; Align-GVGD: "Class C0"). In summary, the available evidence is currently insufficient to determine the role of this variant in disease. Therefore, it has been classified as a Variant of Uncertain Significance.